The following is an entry in ClinVar:

NM_006361.6(HOXB13):c.434A>G (p.Asp145Gly)

Gene: HOXB13 (homeobox B13; minus strand). Cytogenetic location: 17q21.32.
Variant type: single nucleotide variant.
Coding change: c.434A>G on transcript NM_006361.6 (MANE Select); coding-DNA position 434, A replaced by G.
Protein change: p.Asp145Gly; replaces aspartic acid 145 with glycine.
Molecular consequence: missense variant.
Genome position (GRCh38, 1-based): chr17:48,728,160, T>C on the plus strand (A>G on the coding strand, the complement: HOXB13 is on the minus strand). VCF-style: chr17-48728160-T-C. GRCh37 (hg19) VCF-style: chr17-46805522-T-C.
Other names: short protein forms D145G.
Identifiers: ClinVar variation 690759 (VCV000690759.6), dbSNP rs1597934220, ClinGen allele CA400107460.

ClinVar aggregate classification (germline): Uncertain significance. Review status: criteria provided, single submitter (1 of 4 stars). 2 submissions from 2 submitters: Uncertain significance (1). 1 of the submissions does not count toward it. Last evaluated 2018-08-21.

Conditions:
Hereditary cancer-predisposing syndrome. Also called: Neoplastic Syndromes, Hereditary; Tumor predisposition; Hereditary neoplastic syndrome; Hereditary Cancer Syndrome. Identifiers: Orphanet 140162, MedGen C0027672, MeSH D009386, MONDO:0015356.
Prostate cancer, hereditary, 1 (HPC1). Identifiers: Orphanet 1331, MedGen C4722327, MONDO:0011098, OMIM 601518.

Submissions (2):

Ambry Genetics
Classification: Uncertain significance for Hereditary cancer-predisposing syndrome. Last evaluated: 2018-08-21. Review status: criteria provided, single submitter. Criteria: Ambry Variant Classification Scheme 2023. Collection method: clinical testing. Allele origin: germline.
Comment: The p.D145G variant (also known as c.434A>G), located in coding exon 1 of the HOXB13 gene, results from an A to G substitution at nucleotide position 434. The aspartic acid at codon 145 is replaced by glycine, an amino acid with similar properties. This amino acid position is highly conserved in available vertebrate species. In addition, this alteration is predicted to be deleterious by in silico analysis. Since supporting evidence is limited at this time, the clinical significance of this alteration remains unclear.

Laboratory of Virology, Microbiology,  Quality and Medical Biotechnologies, Faculty of Sciences and Techniques - Mohammedia, Hassan II University of Casablanca
Classification: Uncertain significance for Prostate cancer, hereditary, 1. Review status: no assertion criteria provided. Collection method: clinical testing. Allele origin: somatic. Affected: yes. Not counted in ClinVar's aggregate classification.